The following is an entry in ClinVar:

NM_032578.4(MYPN):c.1161T>C (p.Pro387=)

Gene: MYPN (myopalladin; plus strand). Cytogenetic location: 10q21.3.
Variant type: single nucleotide variant.
Coding change: c.1161T>C on transcript NM_032578.4 (MANE Select); coding-DNA position 1161, T replaced by C.
Protein change: p.Pro387=; no amino-acid change (proline 387 retained).
Molecular consequence: synonymous variant. On other transcripts: non-coding transcript variant (2).
Genome position (GRCh38, 1-based): chr10:68,148,383, T>C. VCF-style: chr10-68148383-T-C. GRCh37 (hg19) VCF-style: chr10-69908140-T-C.
Other names: c.1161T>C, p.Pro387= (NM_001256267.2); c.279T>C, p.Pro93= (NM_001256268.2).
Identifiers: ClinVar variation 2563980 (VCV002563980.2), dbSNP rs377505445, ClinGen allele CA5522466.

ClinVar aggregate classification (germline): Uncertain significance (1 of 4 stars; one submission).

Conditions:
Cardiovascular phenotype. Identifiers: MedGen CN230736.

Allele frequency attached by ClinVar (database versions not stated): TOPMed below 0.00001; ESP Exome Variant Server 0.00008.
gnomAD v4.1: 1 of 1,614,114 alleles (0.000062%); highest among the groups gnomAD compares: African/African-American, 0.0013%; no homozygotes.

Submission:

Ambry Genetics
Classification: Uncertain significance for Cardiovascular phenotype. Last evaluated: 2023-05-28. Review status: criteria provided, single submitter. Criteria: Ambry Variant Classification Scheme 2023. Collection method: clinical testing. Allele origin: germline.
Comment: The c.1161T>C variant (also known as p.P387P), located in coding exon 4 of the MYPN gene, results from a T to C substitution at nucleotide position 1161. This nucleotide substitution does not change the proline at codon 387. This nucleotide position is highly conserved in available vertebrate species. In silico splice site analysis for this alteration is inconclusive. Since supporting evidence is limited at this time, the clinical significance of this alteration remains unclear.